The following is an entry in ClinVar:

NM_000130.5(F5):c.5863G>T (p.Ala1955Ser)

Gene: F5 (coagulation factor V; minus strand). Cytogenetic location: 1q24.2.
Variant type: single nucleotide variant.
Coding change: c.5863G>T on transcript NM_000130.5 (MANE Select); coding-DNA position 5863, G replaced by T.
Protein change: p.Ala1955Ser; replaces alanine 1955 with serine.
Molecular consequence: missense variant.
Genome position (GRCh38, 1-based): chr1:169,523,830, C>A on the plus strand (G>T on the coding strand, the complement: F5 is on the minus strand). VCF-style: chr1-169523830-C-A. GRCh37 (hg19) VCF-style: chr1-169493068-C-A.
Other names: short protein forms A1955S.
Identifiers: ClinVar variation 1750158 (VCV001750158.2), dbSNP rs372998280, ClinGen allele CA1233377.

ClinVar aggregate classification (germline): Uncertain significance (1 of 4 stars; one submission).

Conditions:
Inborn genetic diseases. Identifiers: MedGen C0950123, MeSH D030342.

Allele frequency attached by ClinVar (database versions not stated): gnomAD 0.00001; ExAC 0.00002; TOPMed 0.00002; ESP Exome Variant Server 0.00008.
gnomAD v4.1: 17 of 1,613,744 alleles (0.0011%); highest among the groups gnomAD compares: Non-Finnish European, 0.0014%; no homozygotes.

Submission:

Ambry Genetics
Classification: Uncertain significance for Inborn genetic diseases. Last evaluated: 2022-06-14. Review status: criteria provided, single submitter. Criteria: Ambry Variant Classification Scheme 2023. Collection method: clinical testing. Allele origin: germline.
Comment: The p.A1955S variant (also known as c.5863G>T), located in coding exon 20 of the F5 gene, results from a G to T substitution at nucleotide position 5863. The alanine at codon 1955 is replaced by serine, an amino acid with similar properties. This amino acid position is conserved. In addition, this alteration is predicted to be tolerated by in silico analysis. Since supporting evidence is limited at this time, the clinical significance of this alteration remains unclear.